The following is an entry in ClinVar:

NM_001384140.1(PCDH15):c.1898C>T (p.Ala633Val)

Gene: PCDH15 (protocadherin related 15; minus strand). Cytogenetic location: 10q21.1.
Variant type: single nucleotide variant.
Coding change: c.1898C>T on transcript NM_001384140.1 (MANE Select); coding-DNA position 1898, C replaced by T.
Protein change: p.Ala633Val; replaces alanine 633 with valine.
Molecular consequence: missense variant. On other transcripts: intron variant (1).
Genome position (GRCh38, 1-based): chr10:54,132,894, G>A on the plus strand (C>T on the coding strand, the complement: PCDH15 is on the minus strand). VCF-style: chr10-54132894-G-A. GRCh37 (hg19) VCF-style: chr10-55892654-G-A.
Other names: c.1913C>T, p.Ala638Val (NM_001142763.2, NM_001142771.2); c.1898C>T, p.Ala633Val (NM_001142764.2, NM_001142766.2, NM_001142770.3 and 5 more transcripts); c.1787C>T, p.Ala596Val (NM_001142767.2); c.1832C>T, p.Ala611Val (NM_001142768.2, NM_001142773.2, NM_001354404.2); c.1934C>T, p.Ala645Val (NM_001142769.4); c.1919C>T, p.Ala640Val (NM_001354411.2); c.1784+20206C>T (NM_001142765.2); short protein forms A633V, A645V, A596V, A640V, A611V, A638V.
Identifiers: ClinVar variation 840693 (VCV000840693.5), dbSNP rs1475018348, ClinGen allele CA376514830.

ClinVar aggregate classification (germline): Uncertain significance. Review status: criteria provided, multiple submitters, no conflicts (2 of 4 stars). 3 submissions from 3 submitters: Uncertain significance (2). 1 of the submissions does not count toward it. Last evaluated 2024-05-14.

Conditions:
Usher syndrome type 1F (USH1F). Also called: USHER SYNDROME, TYPE IF. Identifiers: Orphanet 231169, Orphanet 886, MedGen C1865885, MONDO:0011186, OMIM 602083.

Allele frequency attached by ClinVar (database versions not stated): gnomAD exomes below 0.00001; gnomAD 0.00001; TOPMed 0.00002.
gnomAD v4.1: 33 of 1,613,202 alleles (0.002%); highest among the groups gnomAD compares: Non-Finnish European, 0.0027%; no homozygotes.

Submissions (3):

Blueprint Genetics
Classification: Uncertain significance. Last evaluated: 2024-05-14. Review status: criteria provided, single submitter. Criteria: ACMG Guidelines, 2015. Collection method: clinical testing. Allele origin: germline.

Labcorp Genetics (formerly Invitae), Labcorp
Classification: Uncertain significance. Last evaluated: 2021-09-01. Review status: criteria provided, single submitter. Criteria: Invitae Variant Classification Sherloc (09022015). Collection method: clinical testing. Allele origin: germline.
Comment: This sequence change replaces alanine with valine at codon 633 of the PCDH15 protein (p.Ala633Val). The alanine residue is highly conserved and there is a small physicochemical difference between alanine and valine. This variant is not present in population databases (ExAC no frequency). This variant has not been reported in the literature in individuals affected with PCDH15-related conditions. Algorithms developed to predict the effect of missense changes on protein structure and function are either unavailable or do not agree on the potential impact of this missense change (SIFT: "Deleterious"; PolyPhen-2: "Probably Damaging"; Align-GVGD: "Class C0"). In summary, the available evidence is currently insufficient to determine the role of this variant in disease. Therefore, it has been classified as a Variant of Uncertain Significance.

Natera, Inc.
Classification: Uncertain significance for Usher syndrome type 1F. Last evaluated: 2020-07-20. Review status: no assertion criteria provided. Collection method: clinical testing. Allele origin: germline. Not counted in ClinVar's aggregate classification.